The following is an entry in ClinVar:

NM_001134363.3(RBM20):c.2142C>A (p.His714Gln)

Gene: RBM20 (RNA binding motif protein 20; plus strand). Cytogenetic location: 10q25.2.
Variant type: single nucleotide variant.
Coding change: c.2142C>A on transcript NM_001134363.3 (MANE Select); coding-DNA position 2142, C replaced by A.
Protein change: p.His714Gln; replaces histidine 714 with glutamine.
Molecular consequence: missense variant.
Genome position (GRCh38, 1-based): chr10:110,812,539, C>A. VCF-style: chr10-110812539-C-A. GRCh37 (hg19) VCF-style: chr10-112572297-C-A.
Other names: p.His714Gln; short protein forms H714Q.
Identifiers: ClinVar variation 2065226 (VCV002065226.4), dbSNP rs1844784139, ClinGen allele CA378372189.

ClinVar aggregate classification (germline): Uncertain significance. Review status: criteria provided, multiple submitters, no conflicts (2 of 4 stars). 3 submissions from 3 submitters: Uncertain significance (3). Last evaluated 2025-01-28.

Conditions:
Cardiovascular phenotype. Identifiers: MedGen CN230736.
Dilated cardiomyopathy 1DD (CMD1DD). Identifiers: Orphanet 154, MedGen C2750995, MONDO:0013168, OMIM 613172.

gnomAD v4.1: 2 of 1,551,700 alleles (0.00013%); highest among the groups gnomAD compares: Non-Finnish European, 0.00017%; no homozygotes.

Submissions (3):

Mayo Clinic Laboratories, Mayo Clinic
Classification: Uncertain significance. Last evaluated: 2025-01-28. Review status: criteria provided, single submitter. Criteria: ACMG Guidelines, 2015. Collection method: clinical testing. Allele origin: germline. Observed: 1 variant allele.
Comment: BP4_moderate

Ambry Genetics
Classification: Uncertain significance for Cardiovascular phenotype. Last evaluated: 2024-11-02. Review status: criteria provided, single submitter. Criteria: Ambry Variant Classification Scheme 2023. Collection method: clinical testing. Allele origin: germline.
Comment: The p.H714Q variant (also known as c.2142C>A), located in coding exon 9 of the RBM20 gene, results from a C to A substitution at nucleotide position 2142. The histidine at codon 714 is replaced by glutamine, an amino acid with highly similar properties. This amino acid position is conserved. In addition, this alteration is predicted to be tolerated by in silico analysis. Based on the available evidence, the clinical significance of this variant remains unclear.

Labcorp Genetics (formerly Invitae), Labcorp
Classification: Uncertain significance for Dilated cardiomyopathy 1DD. Last evaluated: 2022-02-22. Review status: criteria provided, single submitter. Criteria: Invitae Variant Classification Sherloc (09022015). Collection method: clinical testing. Allele origin: germline.
Comment: This sequence change replaces histidine, which is basic and polar, with glutamine, which is neutral and polar, at codon 714 of the RBM20 protein (p.His714Gln). This variant is not present in population databases (gnomAD no frequency). This variant has not been reported in the literature in individuals affected with RBM20-related conditions. Advanced modeling of protein sequence and biophysical properties (such as structural, functional, and spatial information, amino acid conservation, physicochemical variation, residue mobility, and thermodynamic stability) performed at Invitae indicates that this missense variant is not expected to disrupt RBM20 protein function. In summary, the available evidence is currently insufficient to determine the role of this variant in disease. Therefore, it has been classified as a Variant of Uncertain Significance.